The following is an entry in ClinVar:

NM_018713.3(SLC30A10):c.965A>G (p.Lys322Arg)

Gene: SLC30A10 (solute carrier family 30 member 10; minus strand). Cytogenetic location: 1q41.
Variant type: single nucleotide variant.
Coding change: c.965A>G on transcript NM_018713.3 (MANE Select); coding-DNA position 965, A replaced by G.
Protein change: p.Lys322Arg; replaces lysine 322 with arginine.
Molecular consequence: missense variant. On other transcripts: non-coding transcript variant (2).
Genome position (GRCh38, 1-based): chr1:219,915,942, T>C on the plus strand (A>G on the coding strand, the complement: SLC30A10 is on the minus strand). VCF-style: chr1-219915942-T-C. GRCh37 (hg19) VCF-style: chr1-220089284-T-C.
Other names: c.776A>G, p.Lys259Arg (NM_001376929.1); c.290A>G, p.Lys97Arg (NM_001416004.1, NM_001416005.1); short protein forms K97R, K259R, K322R.
Identifiers: ClinVar variation 2076953 (VCV002076953.2), dbSNP rs149301485, ClinGen allele CA1399188.

ClinVar aggregate classification (germline): Uncertain significance. Review status: criteria provided, multiple submitters, no conflicts (2 of 4 stars). 2 submissions from 2 submitters: Uncertain significance (2). Last evaluated 2022-08-06.

Conditions:
Inborn genetic diseases. Identifiers: MedGen C0950123, MeSH D030342.

Allele frequency attached by ClinVar (database versions not stated): gnomAD exomes below 0.00001; TOPMed below 0.00001; gnomAD 0.00001; ExAC 0.00002; 1000 Genomes Project 30x 0.00016; 1000 Genomes Project 0.00020.

Submissions (2):

Labcorp Genetics (formerly Invitae), Labcorp
Classification: Uncertain significance. Last evaluated: 2022-08-06. Review status: criteria provided, single submitter. Criteria: Invitae Variant Classification Sherloc (09022015). Collection method: clinical testing. Allele origin: germline.
Comment: This sequence change replaces lysine, which is basic and polar, with arginine, which is basic and polar, at codon 322 of the SLC30A10 protein (p.Lys322Arg). This variant is present in population databases (rs149301485, gnomAD 0.007%). This variant has not been reported in the literature in individuals affected with SLC30A10-related conditions. Algorithms developed to predict the effect of missense changes on protein structure and function (SIFT, PolyPhen-2, Align-GVGD) all suggest that this variant is likely to be tolerated. In summary, the available evidence is currently insufficient to determine the role of this variant in disease. Therefore, it has been classified as a Variant of Uncertain Significance.

Ambry Genetics
Classification: Uncertain significance for Inborn genetic diseases. Last evaluated: 2022-07-26. Review status: criteria provided, single submitter. Criteria: Ambry Variant Classification Scheme 2023. Collection method: clinical testing. Allele origin: germline.